The following is an entry in ClinVar:

ClinVar aggregate classification (germline): Conflicting classifications of pathogenicity. Review status: criteria provided, conflicting classifications (1 of 4 stars). 7 submissions from 7 submitters: Likely pathogenic (6); Uncertain significance (1). Last evaluated 2025-10-30.

Conditions:
CYP11B1-related disorder. Also called: CYP11B1-related condition.
Glucocorticoid-remediable aldosteronism. Also called: ACTH-DEPENDENT HYPERALDOSTERONISM SYNDROME; ALDOSTERONISM, SENSITIVE TO DEXAMETHASONE; Hyperaldosteronism, familial, type I; GLUCOCORTICOID-SUPPRESSIBLE HYPERALDOSTERONISM; FH I. Identifiers: Orphanet 403, MedGen C3838731, MONDO:0007080, OMIM 103900.
Deficiency of steroid 11-beta-monooxygenase (CYP11B1). Also called: 11-BETA-HYDROXYLASE DEFICIENCY; ADRENAL HYPERPLASIA, CONGENITAL, DUE TO STEROID 11-BETA-HYDROXYLASE DEFICIENCY; Congenital adrenal hyperplasia due to 11-beta-hydroxylase deficiency; ADRENAL HYPERPLASIA IV; P450C11B1 DEFICIENCY; STEROID 11-BETA-HYDROXYLASE DEFICIENCY. Identifiers: Orphanet 90795, MedGen C0268292, MONDO:0008729, OMIM 202010. Disease mechanism: loss of function.
Congenital adrenal hyperplasia. Identifiers: Orphanet 418, MedGen C0001627, MONDO:0018479, HP:0008258.

Allele frequency attached by ClinVar (database versions not stated): ExAC 0.00006; gnomAD 0.00007 and 0.00008; ESP Exome Variant Server 0.00008; gnomAD exomes 0.00010; TOPMed 0.00010.

Submissions (7):

Myriad Genetics, Inc.
Classification: Uncertain significance for Deficiency of steroid 11-beta-monooxygenase. Last evaluated: 2025-10-30. Review status: criteria provided, single submitter. Criteria: Myriad Autosomal Dominant, Autosomal Recessive and X-Linked Classification Criteria (2023). Collection method: clinical testing. Allele origin: unknown.
Comment: NM_000497.3(CYP11B1):c.125C>T(P42L) is a missense variant classified as a variant of uncertain significance in the context of congenital adrenal hyperplasia, CYP11B1-related. P42L has been observed in a case with relevant disease (PMID: 26053152). Relevant functional assessments of this variant are available in the literature (PMID: 26053152). P42L has been observed in referenced population frequency databases. In summary, there is insufficient evidence to classify NM_000497.3(CYP11B1):c.125C>T(P42L) as pathogenic or benign. Please note: this variant was assessed in the context of healthy population screening.

Fulgent Genetics
Classification: Likely pathogenic for Glucocorticoid-remediable aldosteronism; Deficiency of steroid 11-beta-monooxygenase. Last evaluated: 2024-05-18. Review status: criteria provided, single submitter. Criteria: ACMG Guidelines, 2015. Collection method: clinical testing. Allele origin: germline.

Labcorp Genetics (formerly Invitae), Labcorp
Classification: Likely pathogenic. Last evaluated: 2024-03-20. Review status: criteria provided, single submitter. Criteria: Invitae Variant Classification Sherloc (09022015). Collection method: clinical testing. Allele origin: germline.
Comment: This sequence change replaces proline, which is neutral and non-polar, with leucine, which is neutral and non-polar, at codon 42 of the CYP11B1 protein (p.Pro42Leu). This variant is present in population databases (rs193922538, gnomAD 0.02%). This missense change has been observed in individual(s) with congenital adrenal hyperplasia (PMID: 26053152). ClinVar contains an entry for this variant (Variation ID: 35986). Advanced modeling of protein sequence and biophysical properties (such as structural, functional, and spatial information, amino acid conservation, physicochemical variation, residue mobility, and thermodynamic stability) performed at Invitae indicates that this missense variant is expected to disrupt CYP11B1 protein function with a positive predictive value of 95%. Experimental studies have shown that this missense change affects CYP11B1 function (PMID: 26053152). This variant disrupts the p.Pro42 amino acid residue in CYP11B1. Other variant(s) that disrupt this residue have been determined to be pathogenic (PMID: 9302260, 26053152; Invitae). This suggests that this residue is clinically significant, and that variants that disrupt this residue are likely to be disease-causing. In summary, the currently available evidence indicates that the variant is pathogenic, but additional data are needed to prove that conclusively. Therefore, this variant has been classified as Likely Pathogenic.

Baylor Genetics
Classification: Likely pathogenic for Deficiency of steroid 11-beta-monooxygenase. Last evaluated: 2024-03-08. Review status: criteria provided, single submitter. Criteria: ACMG Guidelines, 2015. Collection method: clinical testing. Allele origin: unknown.

Clinical Biochemistry Laboratory, Health Services Laboratory
Classification: Likely pathogenic for Deficiency of steroid 11-beta-monooxygenase. Last evaluated: 2023-11-20. Review status: criteria provided, single submitter. Criteria: ACMG Guidelines, 2015. Collection method: clinical testing. Allele origin: germline. Affected: yes.
Comment: ACMG:PM1 PM2 PM3 PM7 PP3 PP5

Blueprint Genetics
Classification: Likely pathogenic for CYP11B1-related disorders. Last evaluated: 2023-09-29. Review status: criteria provided, single submitter. Criteria: ACMG Guidelines, 2015. Collection method: clinical testing. Allele origin: germline. Affected: yes. Observed: 5 variant alleles.

Women's Health and Genetics/Laboratory Corporation of America, LabCorp
Classification: Likely pathogenic for Congenital adrenal hyperplasia. Last evaluated: 2019-10-16. Review status: criteria provided, single submitter. Criteria: LabCorp Variant Classification Summary - May 2015. Collection method: curation, clinical testing. Allele origin: germline. Inheritance: Autosomal recessive inheritance. Affected: yes.
Comment: CYP11B1 c.125C>T (p.Pro42Leu) results in a non-conservative amino acid change. Five in-silico tools predict a damaging effect. The variant allele was found at a frequency of 9.9e-05 in 251416 control chrs. This frequency is not significantly higher than expected for a pathogenic variant in CYP11B1. c.125C>T has been reported in an individual in compound heterozygous state, who was affected with classic CYP11B1 deficiency (Mooij_2015). In a functional study, the variant was found to have approximately 10% of wild-type enzymatic activity (Mooij_2015). In addition, another variant affecting the same codon (c.124C>T p.P42S) has been reported in patients with 11OHD deficiency (HGMD database). Based on the evidence outlined above, the variant was classified as likely pathogenic.

Literature cited by the submitters: PubMed 26053152 (cited by Myriad Genetics, Inc. and Labcorp Genetics (formerly Invitae), Labcorp); PubMed 9302260 (cited by Labcorp Genetics (formerly Invitae), Labcorp).

NM_000497.4(CYP11B1):c.125C>T (p.Pro42Leu)

Gene: CYP11B1 (cytochrome P450 family 11 subfamily B member 1; minus strand). Cytogenetic location: 8q24.3.
Variant type: single nucleotide variant.
Coding change: c.125C>T on transcript NM_000497.4 (MANE Select); coding-DNA position 125, C replaced by T.
Protein change: p.Pro42Leu; replaces proline 42 with leucine.
Molecular consequence: missense variant.
Genome position (GRCh38, 1-based): chr8:142,879,689, G>A on the plus strand (C>T on the coding strand, the complement: CYP11B1 is on the minus strand). VCF-style: chr8-142879689-G-A. GRCh37 (hg19) VCF-style: chr8-143961105-G-A.
Other names: c.125C>T, p.Pro42Leu (NM_001026213.1); short protein forms P42L.
Identifiers: ClinVar variation 35986 (VCV000035986.14), dbSNP rs193922538, ClinGen allele CA213661.